The following is an entry in ClinVar:

NM_000138.5(FBN1):c.8006G>T (p.Gly2669Val)

Gene: FBN1 (fibrillin 1; minus strand). Cytogenetic location: 15q21.1.
Variant type: single nucleotide variant.
Coding change: c.8006G>T on transcript NM_000138.5 (MANE Select); coding-DNA position 8006, G replaced by T.
Protein change: p.Gly2669Val; replaces glycine 2669 with valine.
Molecular consequence: missense variant.
Genome position (GRCh38, 1-based): chr15:48,415,581, C>A on the plus strand (G>T on the coding strand, the complement: FBN1 is on the minus strand). VCF-style: chr15-48415581-C-A. GRCh37 (hg19) VCF-style: chr15-48707778-C-A.
Other names: short protein forms G2669V.
Identifiers: ClinVar variation 263642 (VCV000263642.20), dbSNP rs886038869, ClinGen allele CA10587787.
Genomic context (GRCh38, chr15:48,415,581, plus strand): 5'-AAGAGCACTGCTTACCCTTGGCCTATGCGGAAGTAACCAGGTGGACAGCCACACAGGTAA[C>A]CGCCCTCGGTATTGGAACAGCCATAGCTGCAGGGGGCCTGCGCAGAGCCACATTCATTGA-3'
Protein context (NP_000129.3, residues 2659-2679): CSYGCSNTEG[Gly2669Val]YLCGCPPGYF

ClinVar aggregate classification (germline): Pathogenic/Likely pathogenic. Review status: criteria provided, multiple submitters, no conflicts (2 of 4 stars). 4 submissions from 4 submitters: Pathogenic (2); Likely pathogenic (2). Last evaluated 2025-08-11.

Conditions:
Marfan syndrome (MFS). Also called: MARFAN SYNDROME, TYPE I; FBN1-Related Marfan Syndrome; Marfan syndrome, classic; Marfan syndrome type 1; Marfan's syndrome. Identifiers: Orphanet 284963, Orphanet 558, MedGen C0024796, MONDO:0007947, OMIM 154700.
Familial thoracic aortic aneurysm and aortic dissection (TAAD). Also called: Thoracic aortic aneurysms and dissections. Identifiers: Orphanet 91387, MedGen C4707243, MONDO:0019625.

Allele frequency attached by ClinVar (database versions not stated): TOPMed below 0.00001.

Submissions (4):

GeneDx
Classification: Likely pathogenic. Last evaluated: 2025-08-11. Review status: criteria provided, single submitter. Criteria: GeneDx Variant Classification Process June 2021. Collection method: clinical testing. Allele origin: germline. Affected: yes.
Comment: Not observed at significant frequency in large population cohorts (gnomAD); In silico analysis supports that this missense variant has a deleterious effect on protein structure/function; This variant is associated with the following publications: (PMID: 12938084, 19293843)

Labcorp Genetics (formerly Invitae), Labcorp
Classification: Pathogenic for Marfan syndrome; Familial thoracic aortic aneurysm and aortic dissection. Last evaluated: 2025-06-11. Review status: criteria provided, single submitter. Criteria: Invitae Variant Classification Sherloc (09022015). Collection method: clinical testing. Allele origin: germline.
Comment: This sequence change replaces glycine, which is neutral and non-polar, with valine, which is neutral and non-polar, at codon 2669 of the FBN1 protein (p.Gly2669Val). This variant is not present in population databases (gnomAD no frequency). This missense change has been observed in individual(s) with FBN1-related disease (PMID: 19293843; internal data). In at least one individual the variant was observed to be de novo. ClinVar contains an entry for this variant (Variation ID: 263642). Invitae Evidence Modeling of protein sequence and biophysical properties (such as structural, functional, and spatial information, amino acid conservation, physicochemical variation, residue mobility, and thermodynamic stability) indicates that this missense variant is expected to disrupt FBN1 protein function with a positive predictive value of 95%. This variant disrupts the p.Gly2669 amino acid residue in FBN1. Other variant(s) that disrupt this residue have been observed in individuals with FBN1-related conditions (PMID: 29543232), which suggests that this may be a clinically significant amino acid residue. For these reasons, this variant has been classified as Pathogenic.

Victorian Clinical Genetics Services, Murdoch Childrens Research Institute
Classification: Pathogenic for Marfan syndrome. Last evaluated: 2024-10-08. Review status: criteria provided, single submitter. Criteria: ACMG Guidelines, 2015. Collection method: clinical testing. Allele origin: germline. Inheritance: Autosomal dominant inheritance. Affected: yes.
Comment: Based on the classification scheme VCGS_Germline_v1.3.4, this variant is classified as Pathogenic. Following criteria are met: 0103 - Dominant negative and loss of function are known mechanisms of disease in this gene and are associated with FBN1-related disease. Variants predicted to result in nonsense mediated decay cause loss of function effects, and are more commonly associated with severe Marfan syndrome (MIM#154700). Missense variants with both dominant negative and loss of function effects on protein function, are associated with Marfan syndrome and ectopia lentis (MIM#129600) (OMIM, PMID: 29357934). The exact genotype-phenotype correlation for this gene is still unclear, and is compounded by variable expressivity (PMID: 20301510). (I) 0107 - This gene is predominantly associated with autosomal dominant disease; autosomal recessive forms of Marfan syndrome have rarely been reported (PMID: 27274304; 31950671). (I) 0115 - Variants in this gene are known to have variable expressivity. The genotype-phenotype correlations for this gene are unclear, with single variants reported in patients with a range of phenotypes (PMID: 20301510, OMIM). (I) 0200 - Variant is predicted to result in a missense amino acid change from glycine to valine. (I) 0251 - This variant is heterozygous. (I) 0301 - Variant is absent from gnomAD (both v2 and v3). (SP) 0501 - Missense variant consistently predicted to be damaging by multiple in silico tools or highly conserved with a major amino acid change. (SP) 0600 - Variant is located in the annotated EGF calcium binding domain (DECIPHER). (I) 0704 - Another missense variant comparable to the one identified in this case has limited previous evidence for pathogenicity. A comparable variant, p.(Gly2669Cys), has previously been reported in four individuals with Marfan syndrome (ClinVar, PMID: 25652356). However, changes to cysteine within the EGF domain are a known pathogenic mechanism and are therefore likely to have a greater impact than other amino acid changes (PMID: 31227806, PMID: 10486319). Other alternative changes at this position provide conflicting information and include p.(Gly2669Asp), p.(Gly2669Arg) and p.(Gly2669Ser). Individuals heterozygous for p.(Gly2669Asp) had a clinical diagnosis of Marfan syndrome with ascending aortic aneurysm; however, this variant was classified as a VUS (PMID: 29543232). For other alternative changes, p.(Gly2669Arg) and p.(Gly2669Ser), relevant phenotypic information was not provided (ClinVar). (SP) 0802 - This variant has moderate previous evidence of pathogenicity in unrelated individuals. This variant has been reported as likely pathogenic/pathogenic three times in ClinVar, and has been observed as de novo in an individual with Marfan syndrome in the literature (ClinVar, PMID: 19293843). (SP) 1007 - No published functional evidence has been identified for this variant. (SP) Legend: (SP) - Supporting pathogenic, (I) - Information, (SB) - Supporting benign

Ambry Genetics
Classification: Likely pathogenic for Familial thoracic aortic aneurysm and aortic dissection. Last evaluated: 2018-02-27. Review status: criteria provided, single submitter. Criteria: Ambry Variant Classification Scheme 2023. Collection method: clinical testing. Allele origin: germline.
Comment: The p.G2669V variant (also known as c.8006G>T), located in coding exon 63 of the FBN1 gene, results from a G to T substitution at nucleotide position 8006. The glycine at codon 2669 is replaced by valine, an amino acid with dissimilar properties. This alteration is located in the cbEGF-like #43 domain, and was reported as occurring de novo in a case with classical Marfan syndrome (MFS) (Stheneur C et al. Eur J Hum Genet. 2009;17(9):1121-1128). Another alteration affecting this amino acid (p.G2669C) has been reported in a case of suspected MFS (Baudhuin LM et al. J Hum Genet. 2015;60:241-52). This amino acid position is highly conserved in available vertebrate species. In addition, this alteration is predicted to be deleterious by in silico analysis. Based on the majority of available evidence to date, this variant is likely to be pathogenic.

Literature cited by the submitters: PubMed 19293843 (cited by 3 submitters); PubMed 29543232 (cited by Labcorp Genetics (formerly Invitae), Labcorp and Victorian Clinical Genetics Services, Murdoch Childrens Research Institute); NCBI Bookshelf NBK1335 (cited by Victorian Clinical Genetics Services, Murdoch Childrens Research Institute); PubMed 10486319 (cited by Victorian Clinical Genetics Services, Murdoch Childrens Research Institute); PubMed 20301510 (cited by Victorian Clinical Genetics Services, Murdoch Childrens Research Institute); PubMed 25652356 (cited by Victorian Clinical Genetics Services, Murdoch Childrens Research Institute and Ambry Genetics); PubMed 27274304 (cited by Victorian Clinical Genetics Services, Murdoch Childrens Research Institute); PubMed 29357934 (cited by Victorian Clinical Genetics Services, Murdoch Childrens Research Institute); PubMed 31227806 (cited by Victorian Clinical Genetics Services, Murdoch Childrens Research Institute); PubMed 31950671 (cited by Victorian Clinical Genetics Services, Murdoch Childrens Research Institute).